The following is an entry in ClinVar:

NM_152490.5(B3GALNT2):c.1311+1G>C

Gene: B3GALNT2 (beta-1,3-N-acetylgalactosaminyltransferase 2; minus strand). Cytogenetic location: 1q42.3.
Variant type: single nucleotide variant.
Coding change: c.1311+1G>C on transcript NM_152490.5 (MANE Select); the canonical splice donor site of the intron after coding-DNA position 1311, G replaced by C.
Molecular consequence: splice donor variant.
Genome position (GRCh38, 1-based): chr1:235,454,155, C>G on the plus strand (G>C on the coding strand, the complement: B3GALNT2 is on the minus strand). VCF-style: chr1-235454155-C-G. GRCh37 (hg19) VCF-style: chr1-235617467-C-G.
Identifiers: ClinVar variation 839795 (VCV000839795.11), dbSNP rs1379052702, ClinGen allele CA344956591.

ClinVar aggregate classification (germline): Likely pathogenic. Review status: criteria provided, multiple submitters, no conflicts (2 of 4 stars). 3 submissions from 3 submitters: Likely pathogenic (3). Last evaluated 2022-11-22.

Conditions:
Muscular dystrophy-dystroglycanopathy (congenital with brain and eye anomalies), type a, 11 (MDDGA11). Also called: Muscular dystrophy-dystroglycanopathy (congenital with brain and eye anomalies, type A, 11; WALKER-WARBURG SYNDROME OR MUSCLE-EYE-BRAIN DISEASE, B3GALNT2-RELATED; Congenital muscular dystrophy-dystroglycanopathy with brain and eye anomalies, type A11. Identifiers: Orphanet 588, Orphanet 899, MedGen C3554638, MONDO:0014071, OMIM 615181.
B3GALNT2-related disorder. Also called: B3GALNT2-related condition.

Allele frequency attached by ClinVar (database versions not stated): gnomAD 0.00001; TOPMed 0.00001.
gnomAD v4.1: 4 of 1,599,114 alleles (0.00025%); highest among the groups gnomAD compares: Non-Finnish European, 0.00034%; no homozygotes.

Submissions (3):

PreventionGenetics, part of Exact Sciences
Classification: Likely pathogenic for B3GALNT2-related condition. Last evaluated: 2022-11-22. Review status: criteria provided, single submitter. Criteria: ACMG Guidelines, 2015. Collection method: clinical testing. Allele origin: germline.
Comment: The B3GALNT2 c.1311+1G>C variant is predicted to disrupt the GT donor site and interfere with normal splicing. To our knowledge, this variant has not been reported in the literature. This variant has not been reported in a large population database, indicating this variant is rare. Variants that disrupt the consensus splice donor site in B3GALNT2 are expected to be pathogenic. This variant is interpreted as likely pathogenic.

Revvity Omics, Revvity
Classification: Likely pathogenic for Muscular dystrophy-dystroglycanopathy (congenital with brain and eye anomalies), type a, 11. Last evaluated: 2022-04-20. Review status: criteria provided, single submitter. Criteria: ACMG Guidelines, 2015. Collection method: clinical testing. Allele origin: germline.

Labcorp Genetics (formerly Invitae), Labcorp
Classification: Likely pathogenic for Muscular dystrophy-dystroglycanopathy (congenital with brain and eye anomalies), type a, 11. Last evaluated: 2021-06-12. Review status: criteria provided, single submitter. Criteria: Invitae Variant Classification Sherloc (09022015). Collection method: clinical testing. Allele origin: germline.
Comment: This sequence change affects a donor splice site in intron 10 of the B3GALNT2 gene. It is expected to disrupt RNA splicing and likely results in an absent or disrupted protein product. In summary, the currently available evidence indicates that the variant is pathogenic, but additional data are needed to prove that conclusively. Therefore, this variant has been classified as Likely Pathogenic. Donor and acceptor splice site variants typically lead to a loss of protein function (PMID: 16199547), and loss-of-function variants in B3GALNT2 are known to be pathogenic (PMID: 23453667). This variant has not been reported in the literature in individuals with B3GALNT2-related conditions. This variant is not present in population databases (ExAC no frequency).

Literature cited by the submitters: PubMed 16199547 (cited by Labcorp Genetics (formerly Invitae), Labcorp); PubMed 23453667 (cited by Labcorp Genetics (formerly Invitae), Labcorp).